The following is an entry in ClinVar:

ClinVar aggregate classification (germline): Uncertain significance (1 of 4 stars; one submission).

Allele frequency attached by ClinVar (database versions not stated): gnomAD exomes 0.00001; gnomAD 0.00004.
gnomAD v4.1: 17 of 1,613,296 alleles (0.0011%); highest among the groups gnomAD compares: Non-Finnish European, 0.0014%; no homozygotes.

Submission:

Labcorp Genetics (formerly Invitae), Labcorp
Classification: Uncertain significance. Last evaluated: 2024-06-22. Review status: criteria provided, single submitter. Criteria: Invitae Variant Classification Sherloc (09022015). Collection method: clinical testing. Allele origin: germline.
Comment: This sequence change replaces leucine, which is neutral and non-polar, with proline, which is neutral and non-polar, at codon 1118 of the LAMC3 protein (p.Leu1118Pro). This variant is present in population databases (no rsID available, gnomAD 0.004%). This variant has not been reported in the literature in individuals affected with LAMC3-related conditions. An algorithm developed to predict the effect of missense changes on protein structure and function (PolyPhen-2) suggests that this variant is likely to be disruptive. In summary, the available evidence is currently insufficient to determine the role of this variant in disease. Therefore, it has been classified as a Variant of Uncertain Significance.

NM_006059.4(LAMC3):c.3353T>C (p.Leu1118Pro)

Gene: LAMC3 (laminin subunit gamma 3; plus strand). Cytogenetic location: 9q34.12.
Variant type: single nucleotide variant.
Coding change: c.3353T>C on transcript NM_006059.4 (MANE Select); coding-DNA position 3353, T replaced by C.
Protein change: p.Leu1118Pro; replaces leucine 1118 with proline.
Molecular consequence: missense variant.
Genome position (GRCh38, 1-based): chr9:131,072,771, T>C. VCF-style: chr9-131072771-T-C. GRCh37 (hg19) VCF-style: chr9-133948158-T-C.
Other names: short protein forms L1118P.
Identifiers: ClinVar variation 2969382 (VCV002969382.3), dbSNP rs1315568822, ClinGen allele CA375259203.